The following is an entry in ClinVar:

ClinVar aggregate classification (germline): Likely pathogenic (1 of 4 stars; one submission).

Conditions:
Osteogenesis imperfecta type I (OI1). Also called: OI, TYPE I; OSTEOGENESIS IMPERFECTA TARDA; OSTEOGENESIS IMPERFECTA WITH BLUE SCLERAE; Lobstein's Disease; Osteogenesis imperfecta type 1; Classic Non-deforming Osteogenesis Imperfecta with Blue Sclerae. Identifiers: Orphanet 216796, Orphanet 666, MedGen C0023931, MONDO:0008146, OMIM 166200. Disease mechanism: loss of function.

gnomAD v4.1: 1 of 1,607,828 alleles (0.000062%); highest among the groups gnomAD compares: Non-Finnish European, 0.000085%; no homozygotes.

Submission:

Labcorp Genetics (formerly Invitae), Labcorp
Classification: Likely pathogenic for Osteogenesis imperfecta type I. Last evaluated: 2025-10-11. Review status: criteria provided, single submitter. Criteria: Invitae Variant Classification Sherloc (09022015). Collection method: clinical testing. Allele origin: germline.
Comment: This sequence change replaces glycine, which is neutral and non-polar, with alanine, which is neutral and non-polar, at codon 1013 of the COL1A1 protein (p.Gly1013Ala). This variant is not present in population databases (gnomAD no frequency). This variant has not been reported in the literature in individuals affected with COL1A1-related conditions. Invitae Evidence Modeling of protein sequence and biophysical properties (such as structural, functional, and spatial information, amino acid conservation, physicochemical variation, residue mobility, and thermodynamic stability) indicates that this missense variant is expected to disrupt COL1A1 protein function with a positive predictive value of 95%. This variant disrupts the triple helix domain of COL1A1. Glycine residues within the Gly-Xaa-Yaa repeats of the triple helix domain are required for the structure and stability of fibrillar collagens (PMID: 7695699, 8218237, 19344236). In COL1A1, variants affecting these glycine residues are significantly enriched in individuals with disease (PMID: 9016532, 17078022) compared to the general population (ExAC). This variant disrupts the p.Gly1013 amino acid residue in COL1A1. Other variant(s) that disrupt this residue have been observed in individuals with COL1A1-related conditions (PMID: 30886339, 32034735), which suggests that this may be a clinically significant amino acid residue. In summary, the currently available evidence indicates that the variant is pathogenic, but additional data are needed to prove that conclusively. Therefore, this variant has been classified as Likely Pathogenic.

Literature cited by the submitters: PubMed 7695699; PubMed 8218237; PubMed 19344236; PubMed 9016532; PubMed 17078022; PubMed 30886339; PubMed 32034735.

NM_000088.4(COL1A1):c.3038G>C (p.Gly1013Ala)

Gene: COL1A1 (collagen type I alpha 1 chain; minus strand). Cytogenetic location: 17q21.33.
Variant type: single nucleotide variant.
Coding change: c.3038G>C on transcript NM_000088.4 (MANE Select); coding-DNA position 3038, G replaced by C.
Protein change: p.Gly1013Ala; replaces glycine 1013 with alanine.
Molecular consequence: missense variant.
Genome position (GRCh38, 1-based): chr17:50,188,910, C>G on the plus strand (G>C on the coding strand, the complement: COL1A1 is on the minus strand). VCF-style: chr17-50188910-C-G. GRCh37 (hg19) VCF-style: chr17-48266271-C-G.
Other names: short protein forms G1013A.
Identifiers: ClinVar variation 4798062 (VCV004798062.1).
Genomic context (GRCh38, chr17:50,188,910, plus strand): 5'-AGGCCACAATGGCCATGCTGAGGGTACTGGCATGGGGGCTGGGGACTGCTCACCTCACGT[C>G]CAGATTCACCAGGGGGTCCAGCCAATCCAGGGGGGCCCATGGGACCAGGGGGACCACGTT-3'
Protein context (NP_000079.2, residues 1003-1023): PGLAGPPGES[Gly1013Ala]REGAPGAEGS